The following is an entry in ClinVar:

NM_182914.3(SYNE2):c.20240A>C (p.Gln6747Pro)

Gene: SYNE2 (spectrin repeat containing nuclear envelope protein 2; plus strand). Cytogenetic location: 14q23.2.
Variant type: single nucleotide variant.
Coding change: c.20240A>C on transcript NM_182914.3 (MANE Select); coding-DNA position 20240, A replaced by C.
Protein change: p.Gln6747Pro; replaces glutamine 6747 with proline.
Molecular consequence: missense variant.
Genome position (GRCh38, 1-based): chr14:64,223,238, A>C. VCF-style: chr14-64223238-A-C. GRCh37 (hg19) VCF-style: chr14-64689956-A-C.
Other names: c.20171A>C, p.Gln6724Pro (NM_015180.6); c.806A>C, p.Gln269Pro (NM_182910.2); c.1184A>C, p.Gln395Pro (NM_182913.4); short protein forms Q6747P, Q395P, Q6724P, Q269P.
Identifiers: ClinVar variation 538357 (VCV000538357.13), dbSNP rs147470935, ClinGen allele CA7224796.

ClinVar aggregate classification (germline): Conflicting classifications of pathogenicity. Review status: criteria provided, conflicting classifications (1 of 4 stars). 3 submissions from 3 submitters: Uncertain significance (1); Likely benign (2). Last evaluated 2023-09-20.

Conditions:
Emery-Dreifuss muscular dystrophy 5, autosomal dominant (EDMD5). Also called: EMERY-DREIFUSS MUSCULAR DYSTROPHY 5. Identifiers: Orphanet 261, MedGen C2751805, MONDO:0013072, OMIM 612999.

Allele frequency attached by ClinVar (database versions not stated): ExAC 0.00007; ESP Exome Variant Server 0.00008; TOPMed 0.00008; gnomAD 0.00009 and 0.00010.
gnomAD v4.1: 118 of 1,614,054 alleles (0.0073%); highest among the groups gnomAD compares: Non-Finnish European, 0.0019%; 1 homozygote.

Submissions (3):

Labcorp Genetics (formerly Invitae), Labcorp
Classification: Likely benign for Emery-Dreifuss muscular dystrophy 5, autosomal dominant. Last evaluated: 2023-09-20. Review status: criteria provided, single submitter. Criteria: Invitae Variant Classification Sherloc (09022015). Collection method: clinical testing. Allele origin: germline.

Ambry Genetics
Classification: Uncertain significance. Last evaluated: 2023-01-09. Review status: criteria provided, single submitter. Criteria: Ambry Variant Classification Scheme 2023. Collection method: clinical testing. Allele origin: germline.

Illumina Laboratory Services, Illumina
Classification: Likely benign for Emery-Dreifuss muscular dystrophy 5, autosomal dominant. Last evaluated: 2018-01-13. Review status: criteria provided, single submitter. Criteria: ICSL Variant Classification Criteria 13 December 2019. Collection method: clinical testing. Allele origin: germline.
Comment: This variant was observed in the ICSL laboratory as part of a predisposition screen in an ostensibly healthy population. It had not been previously curated by ICSL or reported in the Human Gene Mutation Database (HGMD: prior to June 1st, 2018), and was therefore a candidate for classification through an automated scoring system. Utilizing variant allele frequency, disease prevalence and penetrance estimates, and inheritance mode, an automated score was calculated to assess if this variant is too frequent to cause the disease. Based on the score and internal cut-off values, a variant classified as likely benign is not then subjected to further curation. The score for this variant resulted in a classification of likely benign for this disease.